The following is an entry in ClinVar:

ClinVar aggregate classification (germline): Uncertain significance (1 of 4 stars; one submission).

Allele frequency attached by ClinVar (database versions not stated): gnomAD exomes below 0.00001.

Submission:

Labcorp Genetics (formerly Invitae), Labcorp
Classification: Uncertain significance. Last evaluated: 2024-10-22. Review status: criteria provided, single submitter. Criteria: Invitae Variant Classification Sherloc (09022015). Collection method: clinical testing. Allele origin: germline.
Comment: This sequence change replaces glycine, which is neutral and non-polar, with aspartic acid, which is acidic and polar, at codon 169 of the MESP2 protein (p.Gly169Asp). This variant is not present in population databases (gnomAD no frequency). This variant has not been reported in the literature in individuals affected with MESP2-related conditions. ClinVar contains an entry for this variant (Variation ID: 1485877). Invitae Evidence Modeling of protein sequence and biophysical properties (such as structural, functional, and spatial information, amino acid conservation, physicochemical variation, residue mobility, and thermodynamic stability) has been performed for this missense variant. However, the output from this modeling did not meet the statistical confidence thresholds required to predict the impact of this variant on MESP2 protein function. In summary, the available evidence is currently insufficient to determine the role of this variant in disease. Therefore, it has been classified as a Variant of Uncertain Significance.

NM_001039958.2(MESP2):c.506G>A (p.Gly169Asp)

Gene: MESP2 (mesoderm posterior bHLH transcription factor 2; plus strand). Cytogenetic location: 15q26.1.
Variant type: single nucleotide variant.
Coding change: c.506G>A on transcript NM_001039958.2 (MANE Select); coding-DNA position 506, G replaced by A.
Protein change: p.Gly169Asp; replaces glycine 169 with aspartic acid.
Molecular consequence: missense variant.
Genome position (GRCh38, 1-based): chr15:89,776,863, G>A. VCF-style: chr15-89776863-G-A. GRCh37 (hg19) VCF-style: chr15-90320094-G-A.
Other names: short protein forms G169D.
Identifiers: ClinVar variation 1485877 (VCV001485877.8), dbSNP rs2141775111, ClinGen allele CA393770606.